The following is an entry in ClinVar:

NM_000520.6(HEXA):c.635del (p.Pro212fs)

Gene: HEXA (hexosaminidase subunit alpha; minus strand). Cytogenetic location: 15q23.
Variant type: Deletion.
Coding change: c.635del on transcript NM_000520.6 (MANE Select); coding-DNA position 635, one base deleted (C; older notation c.635delC).
Protein change: p.Pro212fs; shifts the reading frame from proline 212.
Molecular consequence: frameshift variant. On other transcripts: non-coding transcript variant (1).
Genome position (GRCh38, 1-based): chr15:72,351,170, G deleted on the plus strand (C on the coding strand, the reverse complement: HEXA is on the minus strand); the first of 3 consecutive G bases (chr15:72,351,170-72,351,172); deleting any one gives the same sequence. VCF-style (leftmost placement, unchanged base first): chr15-72351169-TG-T. GRCh37 (hg19) VCF-style: chr15-72643510-TG-T.
Other names: c.668del, p.Pro223fs (NM_001318825.2); short protein forms P212fs, P223fs.
Identifiers: ClinVar variation 5016218 (VCV005016218.1).

ClinVar aggregate classification (germline): Pathogenic (1 of 4 stars; one submission).

Conditions:
Tay-Sachs disease (TSD). Also called: HEXA DEFICIENCY; GM2 gangliosidosis, type 1; Hexosaminidase alpha-subunit deficiency (variant B); Sphingolipidosis, Tay-Sachs; Hexosaminidase A Deficiency; HEXA Disorders. Identifiers: Orphanet 845, MedGen C0039373, MONDO:0010100, OMIM 272800.

Submission:

Myriad Genetics, Inc.
Classification: Pathogenic for Tay-Sachs disease. Last evaluated: 2026-08-08. Review status: criteria provided, single submitter. Criteria: Myriad Autosomal Dominant, Autosomal Recessive and X-Linked Classification Criteria (2023). Collection method: clinical testing. Allele origin: unknown.
Comment: NM_000520.4(HEXA):c.635delC(P212Hfs*11) is expected to be pathogenic in the context of hexosaminidase A deficiency. This variant is predicted to lead to an abnormal or absent protein product due to the creation of a premature termination codon in HEXA, a gene where loss-of-function variants are known to be pathogenic. Please note: this variant was assessed in the context of healthy population screening.